The following is an entry in ClinVar:

ClinVar aggregate classification (germline): Benign. Review status: criteria provided, multiple submitters, no conflicts (2 of 4 stars). 2 submissions from 2 submitters: Benign (2). Last evaluated 2021-06-19.

Conditions:
Methylmalonic aciduria due to methylmalonyl-CoA mutase deficiency (MAMM). Also called: Methylmalonic aciduria, mut type. Identifiers: Orphanet 27, MedGen C1855114, MONDO:0009612, OMIM 251000.

Allele frequency attached by ClinVar (database versions not stated): 1000 Genomes Project 30x 0.26421; 1000 Genomes Project 0.26597; TOPMed 0.28202; gnomAD 0.30091 and 0.30192.
gnomAD v4.1: 45,866 of 151,942 alleles (30%); highest among the groups gnomAD compares: South Asian, 37%; 7,452 homozygotes.

Submissions (2):

Pars Genome Lab
Classification: Benign for Methylmalonic aciduria due to methylmalonyl-CoA mutase deficiency. Last evaluated: 2021-06-19. Review status: criteria provided, single submitter. Criteria: ACMG Guidelines, 2015. Collection method: clinical testing. Allele origin: germline. Affected: no.

GeneDx
Classification: Benign. Last evaluated: 2018-06-14. Review status: criteria provided, single submitter. Criteria: GeneDx Variant Classification (06012015). Collection method: clinical testing. Allele origin: germline. Affected: yes.
Comment: This variant is considered likely benign or benign based on one or more of the following criteria: it is a conservative change, it occurs at a poorly conserved position in the protein, it is predicted to be benign by multiple in silico algorithms, and/or has population frequency not consistent with disease.

NM_000255.4(MMUT):c.1333-185A>G

Gene: MMUT (methylmalonyl-CoA mutase; minus strand). Cytogenetic location: 6p12.3.
Variant type: single nucleotide variant.
Coding change: c.1333-185A>G on transcript NM_000255.4 (MANE Select); 185 bases into the intron before coding-DNA position 1333, A replaced by G.
Molecular consequence: intron variant.
Genome position (GRCh38, 1-based): chr6:49,449,112, T>C on the plus strand (A>G on the coding strand, the complement: MMUT is on the minus strand). VCF-style: chr6-49449112-T-C. GRCh37 (hg19) VCF-style: chr6-49416825-T-C.
Identifiers: ClinVar variation 674050 (VCV000674050.3), dbSNP rs4715130, ClinGen allele CA138795935.
Genomic context (GRCh38, chr6:49,449,112, plus strand): 5'-TCATAAGAACAGAATTAAATAAACATCAAAGTCATTAATTAGAATTTGTGTGTTTATAGT[T>C]ACTTGAAAAGACAACTAACAAGTATATTCCAAAAAACACAAAACCTCTTAAGTCTTGGGA-3'